The following is an entry in ClinVar:

NM_001304438.2(TMEM132E):c.1733G>A (p.Arg578Gln)

Gene: TMEM132E (transmembrane protein 132E; plus strand). Cytogenetic location: 17q12.
Variant type: single nucleotide variant.
Coding change: c.1733G>A on transcript NM_001304438.2 (MANE Select); coding-DNA position 1733, G replaced by A.
Protein change: p.Arg578Gln; replaces arginine 578 with glutamine.
Molecular consequence: missense variant.
Genome position (GRCh38, 1-based): chr17:34,634,843, G>A. VCF-style: chr17-34634843-G-A. GRCh37 (hg19) VCF-style: chr17-32961862-G-A.
Other names: NM_207313.1:c.1463G>A; short protein forms R578Q.
Identifiers: ClinVar variation 1908751 (VCV001908751.7), dbSNP rs755311028, ClinGen allele CA8496791.

ClinVar aggregate classification (germline): Uncertain significance. Review status: criteria provided, multiple submitters, no conflicts (2 of 4 stars). 2 submissions from 2 submitters: Uncertain significance (2). Last evaluated 2023-08-10.

Allele frequency attached by ClinVar (database versions not stated): gnomAD exomes 0.00001; TOPMed 0.00001; ExAC 0.00003.
gnomAD v4.1: 17 of 1,613,866 alleles (0.0011%); highest among the groups gnomAD compares: South Asian, 0.0022%; no homozygotes.

Submissions (2):

Labcorp Genetics (formerly Invitae), Labcorp
Classification: Uncertain significance. Last evaluated: 2023-08-10. Review status: criteria provided, single submitter. Criteria: Invitae Variant Classification Sherloc (09022015). Collection method: clinical testing. Allele origin: germline.
Comment: In summary, the available evidence is currently insufficient to determine the role of this variant in disease. Therefore, it has been classified as a Variant of Uncertain Significance. Experimental studies and prediction algorithms are not available or were not evaluated, and the functional significance of this variant is currently unknown. ClinVar contains an entry for this variant (Variation ID: 1908751). This variant has not been reported in the literature in individuals affected with TMEM132E-related conditions. This variant is present in population databases (rs755311028, gnomAD 0.006%). This sequence change replaces arginine, which is basic and polar, with glutamine, which is neutral and polar, at codon 578 of the TMEM132E protein (p.Arg578Gln).

Ambry Genetics
Classification: Uncertain significance. Last evaluated: 2023-01-10. Review status: criteria provided, single submitter. Criteria: Ambry Variant Classification Scheme 2023. Collection method: clinical testing. Allele origin: germline.